The following is an entry in ClinVar:

NM_001129.5(AEBP1):c.1562G>A (p.Arg521His)

Gene: AEBP1 (AE binding protein 1; plus strand). Cytogenetic location: 7p13.
Variant type: single nucleotide variant.
Coding change: c.1562G>A on transcript NM_001129.5 (MANE Select); coding-DNA position 1562, G replaced by A.
Protein change: p.Arg521His; replaces arginine 521 with histidine.
Molecular consequence: missense variant.
Genome position (GRCh38, 1-based): chr7:44,110,989, G>A. VCF-style: chr7-44110989-G-A. GRCh37 (hg19) VCF-style: chr7-44150588-G-A.
Other names: p.Arg521His; short protein forms R521H.
Identifiers: ClinVar variation 1514196 (VCV001514196.5), dbSNP rs747457242, ClinGen allele CA4237933.

ClinVar aggregate classification (germline): Uncertain significance. Review status: criteria provided, multiple submitters, no conflicts (2 of 4 stars). 3 submissions from 3 submitters: Uncertain significance (3). Last evaluated 2026-01-27.

Allele frequency attached by ClinVar (database versions not stated): ExAC 0.00001; gnomAD exomes 0.00001; gnomAD 0.00002 and 0.00003.

Submissions (3):

Women's Health and Genetics/Laboratory Corporation of America, LabCorp
Classification: Uncertain significance. Last evaluated: 2026-01-27. Review status: criteria provided, single submitter. Criteria: LabCorp Variant Classification Summary - May 2015. Collection method: clinical testing. Allele origin: germline.
Comment: Variant summary: AEBP1 c.1562G>A (p.Arg521His) results in a non-conservative amino acid change located in the F5/8 type C domain (IPR000421) of the encoded protein sequence. Algorithms developed to predict the effect of missense changes on protein structure and function all suggest that this variant is likely to be disruptive. The variant allele was found at a frequency of 1.2e-05 in 250968 control chromosomes. The available data on variant occurrences in the general population are insufficient to allow any conclusion about variant significance. To our knowledge, no occurrence of c.1562G>A in individuals affected with AEBP1-related conditions and no experimental evidence demonstrating its impact on protein function have been reported. ClinVar contains an entry for this variant (Variation ID: 1514196). Based on the evidence outlined above, the variant was classified as uncertain significance.

Mayo Clinic Laboratories, Mayo Clinic
Classification: Uncertain significance. Last evaluated: 2024-05-14. Review status: criteria provided, single submitter. Criteria: ACMG Guidelines, 2015. Collection method: clinical testing. Allele origin: germline. Observed: 1 variant allele.
Comment: PP3

Labcorp Genetics (formerly Invitae), Labcorp
Classification: Uncertain significance. Last evaluated: 2022-07-24. Review status: criteria provided, single submitter. Criteria: Invitae Variant Classification Sherloc (09022015). Collection method: clinical testing. Allele origin: germline.
Comment: This sequence change replaces arginine, which is basic and polar, with histidine, which is basic and polar, at codon 521 of the AEBP1 protein (p.Arg521His). This variant is present in population databases (rs747457242, gnomAD 0.004%). This variant has not been reported in the literature in individuals affected with AEBP1-related conditions. ClinVar contains an entry for this variant (Variation ID: 1514196). Algorithms developed to predict the effect of missense changes on protein structure and function are either unavailable or do not agree on the potential impact of this missense change (SIFT: "Deleterious"; PolyPhen-2: "Probably Damaging"; Align-GVGD: "Class C0"). In summary, the available evidence is currently insufficient to determine the role of this variant in disease. Therefore, it has been classified as a Variant of Uncertain Significance.